The following is an entry in ClinVar:

ClinVar aggregate classification (germline): Likely benign. Review status: criteria provided, multiple submitters, no conflicts (2 of 4 stars). 3 submissions from 3 submitters: Likely benign (2). 1 of the submissions does not count toward it. Last evaluated 2025-11-18.

Conditions:
BBS9-related disorder. Also called: BBS9-related condition.
Bardet-Biedl syndrome (BBS). Identifiers: Orphanet 110, MedGen C0752166, MONDO:0015229.

Allele frequency attached by ClinVar (database versions not stated): gnomAD 0.00001; gnomAD exomes 0.00001 and 0.00003; TOPMed 0.00001; ExAC 0.00003.
gnomAD v4.1: 18 of 1,613,640 alleles (0.0011%); highest among the groups gnomAD compares: East Asian, 0.0067%; no homozygotes.

Submissions (3):

Labcorp Genetics (formerly Invitae), Labcorp
Classification: Likely benign for Bardet-Biedl syndrome. Last evaluated: 2025-11-18. Review status: criteria provided, single submitter. Criteria: Invitae Variant Classification Sherloc (09022015). Collection method: clinical testing. Allele origin: germline.

Blueprint Genetics
Classification: Likely benign. Last evaluated: 2022-10-07. Review status: criteria provided, single submitter. Criteria: ACMG Guidelines, 2015. Collection method: clinical testing. Allele origin: germline.

PreventionGenetics, part of Exact Sciences
Classification: Likely benign for BBS9-related condition. Last evaluated: 2020-06-12. Review status: no assertion criteria provided. Collection method: clinical testing. Allele origin: germline. Not counted in ClinVar's aggregate classification.
Comment: This variant is classified as likely benign based on ACMG/AMP sequence variant interpretation guidelines (Richards et al. 2015 PMID: 25741868, with internal and published modifications).

NM_198428.3(BBS9):c.2274G>A (p.Pro758=)

Gene: BBS9 (Bardet-Biedl syndrome 9; plus strand). Cytogenetic location: 7p14.3.
Variant type: single nucleotide variant.
Coding change: c.2274G>A on transcript NM_198428.3 (MANE Select); coding-DNA position 2274, G replaced by A.
Protein change: p.Pro758=; no amino-acid change (proline 758 retained).
Molecular consequence: synonymous variant. On other transcripts: non-coding transcript variant (3), intron variant (1).
Genome position (GRCh38, 1-based): chr7:33,505,621, G>A. VCF-style: chr7-33505621-G-A. GRCh37 (hg19) VCF-style: chr7-33545233-G-A.
Other names: c.2169G>A, p.Pro723= (NM_001033604.2); c.2259G>A, p.Pro753= (NM_001033605.2); c.2274G>A, p.Pro758= (NM_001348036.1, NM_001348041.4, NM_001348043.3 and 1 more transcripts); c.2001G>A, p.Pro667= (NM_001348038.3); c.1896G>A, p.Pro632= (NM_001348039.3); c.2154G>A, p.Pro718= (NM_001348040.3, NM_014451.4); c.2139G>A, p.Pro713= (NM_001348042.3); c.1803G>A, p.Pro601= (NM_001348044.3); and 3 more.
Identifiers: ClinVar variation 1111142 (VCV001111142.11), dbSNP rs746134918, ClinGen allele CA4214644.
Genomic context (GRCh38, chr7:33,505,621, plus strand): 5'-CGCGCTGTGGCAGAAGCTTAGTGCTGACCAGGTTGCTATTCTGGAAGCGGCATTTCTGCC[G>A]CTACAAGAAGACACTCAAGAATTGGTAAGGACCTGAAAGCCTGTGGTGGGAACAGCCAGC-3'
Protein context (NP_940820.1, residues 748-768): QVAILEAAFL[Pro758=]LQEDTQELGW